The following is an entry in ClinVar:

NM_000079.4(CHRNA1):c.419C>T (p.Pro140Leu)

Gene: CHRNA1 (cholinergic receptor nicotinic alpha 1 subunit; minus strand). Cytogenetic location: 2q31.1.
Variant type: single nucleotide variant.
Coding change: c.419C>T on transcript NM_000079.4 (MANE Select); coding-DNA position 419, C replaced by T.
Protein change: p.Pro140Leu; replaces proline 140 with leucine.
Molecular consequence: missense variant.
Genome position (GRCh38, 1-based): chr2:174,754,340, G>A on the plus strand (C>T on the coding strand, the complement: CHRNA1 is on the minus strand). VCF-style: chr2-174754340-G-A. GRCh37 (hg19) VCF-style: chr2-175619068-G-A.
Other names: c.494C>T, p.Pro165Leu (NM_001039523.3); short protein forms P140L, P165L.
Identifiers: ClinVar variation 1055436 (VCV001055436.11), dbSNP rs1486937748, ClinGen allele CA349341425.

ClinVar aggregate classification (germline): Uncertain significance. Review status: criteria provided, multiple submitters, no conflicts (2 of 4 stars). 2 submissions from 2 submitters: Uncertain significance (2). Last evaluated 2025-07-21.

Conditions:
Myasthenic syndrome, congenital, 1B, fast-channel. Also called: Fast-Channel Congenital Myasthenia Syndrome. Identifiers: Orphanet 590, MedGen C4225405, MONDO:0012156, OMIM 608930.
Myasthenic syndrome, congenital, 1A, slow-channel. Also called: Congenital myasthenic syndrome 1A; CMS IIa; MYASTHENIC SYNDROME, CONGENITAL, TYPE IIa. Identifiers: MedGen C2931107, MONDO:0011088, OMIM 601462.
Lethal multiple pterygium syndrome (LMPS). Identifiers: Orphanet 33108, MedGen C1854678, MONDO:0009668, OMIM 253290.

Allele frequency attached by ClinVar (database versions not stated): gnomAD exomes below 0.00001; TOPMed below 0.00001.
gnomAD v4.1: 1 of 1,614,186 alleles (0.000062%); highest among the groups gnomAD compares: South Asian, 0.0011%; no homozygotes.

Submissions (2):

Labcorp Genetics (formerly Invitae), Labcorp
Classification: Uncertain significance for Lethal multiple pterygium syndrome. Last evaluated: 2025-07-21. Review status: criteria provided, single submitter. Criteria: Invitae Variant Classification Sherloc (09022015). Collection method: clinical testing. Allele origin: germline.
Comment: This sequence change replaces proline, which is neutral and non-polar, with leucine, which is neutral and non-polar, at codon 140 of the CHRNA1 protein (p.Pro140Leu). This variant is not present in population databases (gnomAD no frequency). This variant has not been reported in the literature in individuals affected with CHRNA1-related conditions. ClinVar contains an entry for this variant (Variation ID: 1055436). Invitae Evidence Modeling of protein sequence and biophysical properties (such as structural, functional, and spatial information, amino acid conservation, physicochemical variation, residue mobility, and thermodynamic stability) indicates that this missense variant is not expected to disrupt CHRNA1 protein function with a negative predictive value of 80%. In summary, the available evidence is currently insufficient to determine the role of this variant in disease. Therefore, it has been classified as a Variant of Uncertain Significance.

Juno Genomics, Hangzhou Juno Genomics, Inc
Classification: Uncertain significance for Lethal multiple pterygium syndrome; Myasthenic syndrome, congenital, 1A, slow-channel; Myasthenic syndrome, congenital, 1B, fast-channel. Review status: criteria provided, single submitter. Criteria: ACMG Guidelines, 2015. Collection method: clinical testing. Allele origin: germline.
Comment: Absent from controls (or at extremely low frequency if recessive) in Genome Aggregation Database.;Multiple lines of computational evidence support a deleterious effect on the gene or gene product.